The following is an entry in ClinVar:

ClinVar aggregate classification (germline): Benign (0 of 4 stars; one submission).

Conditions:
MUC16-related disorder. Also called: MUC16-related condition.

Allele frequency attached by ClinVar (database versions not stated): 1000 Genomes Project 0.00280; ESP Exome Variant Server 0.00366; gnomAD exomes 0.00395; ExAC 0.00447; gnomAD 0.00521.

Submission:

PreventionGenetics, part of Exact Sciences
Classification: Benign for MUC16-related condition. Last evaluated: 2019-06-06. Review status: no assertion criteria provided. Collection method: clinical testing. Allele origin: germline.
Comment: This variant is classified as benign based on ACMG/AMP sequence variant interpretation guidelines (Richards et al. 2015 PMID: 25741868, with internal and published modifications).

NM_001401501.2(MUC16):c.36767G>A (p.Arg12256Gln)

Gene: MUC16 (mucin 16, cell surface associated; minus strand). Cytogenetic location: 19p13.2.
Variant type: single nucleotide variant.
Coding change: c.36767G>A on transcript NM_001401501.2 (MANE Select); coding-DNA position 36767, G replaced by A.
Protein change: p.Arg12256Gln; replaces arginine 12256 with glutamine.
Molecular consequence: missense variant.
Genome position (GRCh38, 1-based): chr19:8,916,887, C>T on the plus strand (G>A on the coding strand, the complement: MUC16 is on the minus strand). VCF-style: chr19-8916887-C-T. GRCh37 (hg19) VCF-style: chr19-9027563-C-T.
Other names: c.37193G>A, p.Arg12398Gln (NM_001414686.1); c.36647G>A, p.Arg12216Gln (NM_001414687.1); c.36581G>A, p.Arg12194Gln (NM_024690.2); short protein forms R12194Q, R12216Q, R12256Q, R12398Q.
Identifiers: ClinVar variation 3044011 (VCV003044011.2), dbSNP rs139868374, ClinGen allele CA9165694.
Genomic context (GRCh38, chr19:8,916,887, plus strand): 5'-AGGATCATGGGCATGTGGACATGAGTTGAATACTCACTGCTGGTGGTGGGCATAGAGCTT[C>T]GATGGGTGAAACCTGCACAGAGAAGGAGGGAGGAGTGTGGGTAAGTTACAAGGAGATGTG-3'
Protein context (NP_001388430.1, residues 12246-12266): NSLYVNGFTH[Arg12256Gln]SSMPTTSTPG